The following is an entry in ClinVar:

ClinVar aggregate classification (germline): Benign/Likely benign. Review status: criteria provided, multiple submitters, no conflicts (2 of 4 stars). 4 submissions from 4 submitters: Benign (3); Likely benign (1). Last evaluated 2026-09-01.

Conditions:
Hereditary spastic paraplegia 75. Also called: Spastic paraplegia 75, autosomal recessive. Identifiers: Orphanet 459056, MedGen C4225250, MONDO:0014729, OMIM 616680.

Allele frequency attached by ClinVar (database versions not stated): TOPMed 0.00173; 1000 Genomes Project 30x 0.00187; 1000 Genomes Project 0.00200; ESP Exome Variant Server 0.00238.
gnomAD v4.1: 3,880 of 1,613,682 alleles (0.24%); highest among the groups gnomAD compares: Middle Eastern, 1.6%; 18 homozygotes.

Submissions (4):

CeGaT Center for Human Genetics Tuebingen
Classification: Likely benign. Last evaluated: 2026-09-01. Review status: criteria provided, single submitter. Criteria: CeGaT Center For Human Genetics Tuebingen Variant Classification Criteria Version 2. Collection method: clinical testing. Allele origin: germline. Affected: yes. Observed: 21 variant alleles.
Comment: MAG: BP4, BP7, BS2

Labcorp Genetics (formerly Invitae), Labcorp
Classification: Benign for Hereditary spastic paraplegia 75. Last evaluated: 2026-01-09. Review status: criteria provided, single submitter. Criteria: Invitae Variant Classification Sherloc (09022015). Collection method: clinical testing. Allele origin: germline.

Mayo Clinic Laboratories, Mayo Clinic
Classification: Benign. Last evaluated: 2025-05-19. Review status: criteria provided, single submitter. Criteria: ACMG Guidelines, 2015. Collection method: clinical testing. Allele origin: germline. Observed: 1 variant allele.
Comment: BS1, BS2, BP4, BP7

Breakthrough Genomics
Classification: Benign. Review status: criteria provided, single submitter. Criteria: ACMG Guidelines, 2015. Collection method: not provided. Allele origin: germline. Inheritance: Autosomal recessive inheritance. Affected: yes.

NM_002361.4(MAG):c.228G>A (p.Ser76=)

Gene: MAG (myelin associated glycoprotein; plus strand). Cytogenetic location: 19q13.12.
Variant type: single nucleotide variant.
Coding change: c.228G>A on transcript NM_002361.4 (MANE Select); coding-DNA position 228, G replaced by A.
Protein change: p.Ser76=; no amino-acid change (serine 76 retained).
Molecular consequence: synonymous variant.
Genome position (GRCh38, 1-based): chr19:35,295,794, G>A. VCF-style: chr19-35295794-G-A. GRCh37 (hg19) VCF-style: chr19-35786697-G-A.
Other names: p.Ser76=; c.153G>A, p.Ser51= (NM_001199216.2); c.228G>A, p.Ser76= (NM_080600.3).
Identifiers: ClinVar variation 475607 (VCV000475607.43), dbSNP rs142334011, ClinGen allele CA9375955.